The following is an entry in ClinVar:

ClinVar aggregate classification (germline): Benign/Likely benign. Review status: criteria provided, multiple submitters, no conflicts (2 of 4 stars). 3 submissions from 3 submitters: Benign (1); Likely benign (2). Last evaluated 2026-06-24.

Conditions:
Hereditary cancer-predisposing syndrome. Also called: Neoplastic Syndromes, Hereditary; Tumor predisposition; Hereditary Cancer Syndrome; Hereditary neoplastic syndrome. Identifiers: Orphanet 140162, MedGen C0027672, MeSH D009386, MONDO:0015356.
Retinoblastoma (RB1). Also called: RETINOBLASTOMA, SOMATIC. Identifiers: Orphanet 790, MedGen C0035335, MeSH D012175, MONDO:0008380, OMIM 180200, HP:0009919. Disease mechanism: loss of function. Inheritance: Both sporadic and heritable forms are tested..

Allele frequency attached by ClinVar (database versions not stated): TOPMed below 0.00001; gnomAD exomes 0.00004; ExAC 0.00004.
gnomAD v4.1: 27 of 1,612,374 alleles (0.0017%); highest among the groups gnomAD compares: South Asian, 0.026%; no homozygotes.

Submissions (3):

Myriad Genetics, Inc.
Classification: Benign for Retinoblastoma. Last evaluated: 2026-06-24. Review status: criteria provided, single submitter. Criteria: Myriad Autosomal Dominant, Autosomal Recessive and X-Linked Classification Criteria (2023). Collection method: clinical testing. Allele origin: unknown.
Comment: This variant is considered benign. This variant is a silent/synonymous amino acid change and it is not expected to impact splicing.

Labcorp Genetics (formerly Invitae), Labcorp
Classification: Likely benign for Retinoblastoma. Last evaluated: 2024-10-30. Review status: criteria provided, single submitter. Criteria: Invitae Variant Classification Sherloc (09022015). Collection method: clinical testing. Allele origin: germline.

Ambry Genetics
Classification: Likely benign for Hereditary cancer-predisposing syndrome. Last evaluated: 2022-02-17. Review status: criteria provided, single submitter. Criteria: Ambry Variant Classification Scheme 2023. Collection method: clinical testing. Allele origin: germline.

NM_000321.3(RB1):c.1335A>T (p.Arg445=)

Gene: RB1 (RB transcriptional corepressor 1; plus strand). Cytogenetic location: 13q14.2.
Variant type: single nucleotide variant.
Coding change: c.1335A>T on transcript NM_000321.3 (MANE Select); coding-DNA position 1335, A replaced by T.
Protein change: p.Arg445=; no amino-acid change (arginine 445 retained).
Molecular consequence: synonymous variant.
Genome position (GRCh38, 1-based): chr13:48,379,596, A>T. VCF-style: chr13-48379596-A-T. GRCh37 (hg19) VCF-style: chr13-48953732-A-T.
Identifiers: ClinVar variation 1100379 (VCV001100379.12), dbSNP rs757748029, ClinGen allele CA028260.